The following is an entry in ClinVar:

ClinVar aggregate classification (germline): Uncertain significance (1 of 4 stars; one submission).

Conditions:
RYR1-related disorder. Also called: RYR1-related condition; RYR1-related disorders. Identifiers: MedGen CN239331.

gnomAD v4.1: 2 of 1,613,636 alleles (0.00012%); highest among the groups gnomAD compares: Non-Finnish European, 0.00017%; no homozygotes.

Submission:

Labcorp Genetics (formerly Invitae), Labcorp
Classification: Uncertain significance for RYR1-related disorder. Last evaluated: 2022-04-25. Review status: criteria provided, single submitter. Criteria: Invitae Variant Classification Sherloc (09022015). Collection method: clinical testing. Allele origin: germline.
Comment: In summary, the available evidence is currently insufficient to determine the role of this variant in disease. Therefore, it has been classified as a Variant of Uncertain Significance. Advanced modeling of protein sequence and biophysical properties (such as structural, functional, and spatial information, amino acid conservation, physicochemical variation, residue mobility, and thermodynamic stability) performed at Invitae indicates that this missense variant is expected to disrupt RYR1 protein function. This variant has not been reported in the literature in individuals affected with RYR1-related conditions. This variant is present in population databases (rs774285690, gnomAD 0.002%). This sequence change replaces serine, which is neutral and polar, with tryptophan, which is neutral and slightly polar, at codon 182 of the RYR1 protein (p.Ser182Trp).

NM_000540.3(RYR1):c.545C>G (p.Ser182Trp)

Gene: RYR1 (ryanodine receptor 1; plus strand). Cytogenetic location: 19q13.2.
Variant type: single nucleotide variant.
Coding change: c.545C>G on transcript NM_000540.3 (MANE Select); coding-DNA position 545, C replaced by G.
Protein change: p.Ser182Trp; replaces serine 182 with tryptophan.
Molecular consequence: missense variant.
Genome position (GRCh38, 1-based): chr19:38,444,591, C>G. VCF-style: chr19-38444591-C-G. GRCh37 (hg19) VCF-style: chr19-38935231-C-G.
Other names: c.545C>G, p.Ser182Trp (NM_001042723.2); short protein forms S182W.
Identifiers: ClinVar variation 2130449 (VCV002130449.4), dbSNP rs774285690, ClinGen allele CA067113.